The following is an entry in ClinVar:

ClinVar aggregate classification (germline): Conflicting classifications of pathogenicity. Review status: criteria provided, conflicting classifications (1 of 4 stars). 2 submissions from 2 submitters: Uncertain significance (1); Likely benign (1). Last evaluated 2025-05-05.

Conditions:
Hereditary cancer-predisposing syndrome. Also called: Neoplastic Syndromes, Hereditary; Tumor predisposition; Hereditary neoplastic syndrome; Hereditary Cancer Syndrome. Identifiers: Orphanet 140162, MedGen C0027672, MeSH D009386, MONDO:0015356.
Hereditary breast ovarian cancer syndrome. Also called: Hereditary breast and ovarian cancer syndrome; BRCA1- and BRCA2-Associated Hereditary Breast and Ovarian Cancer; Hereditary breast and ovarian cancer; Hereditary breast and ovarian cancer syndrome (HBOC); Hereditary breast and/or ovarian cancer syndrome; Breast and ovarian cancer. Identifiers: Orphanet 145, MedGen C0677776, MeSH D061325, MONDO:0003582. Disease mechanism: loss of function.

Submissions (2):

Ambry Genetics
Classification: Likely benign for Hereditary cancer-predisposing syndrome. Last evaluated: 2025-05-05. Review status: criteria provided, single submitter. Criteria: Ambry Variant Classification Scheme 2023. Collection method: clinical testing. Allele origin: germline.

Labcorp Genetics (formerly Invitae), Labcorp
Classification: Uncertain significance for Hereditary breast ovarian cancer syndrome. Last evaluated: 2023-10-06. Review status: criteria provided, single submitter. Criteria: Invitae Variant Classification Sherloc (09022015). Collection method: clinical testing. Allele origin: germline.
Comment: This sequence change replaces serine, which is neutral and polar, with threonine, which is neutral and polar, at codon 2559 of the BRCA2 protein (p.Ser2559Thr). This variant is not present in population databases (gnomAD no frequency). This variant has not been reported in the literature in individuals affected with BRCA2-related conditions. Advanced modeling of protein sequence and biophysical properties (such as structural, functional, and spatial information, amino acid conservation, physicochemical variation, residue mobility, and thermodynamic stability) performed at Invitae indicates that this missense variant is not expected to disrupt BRCA2 protein function. In summary, the available evidence is currently insufficient to determine the role of this variant in disease. Therefore, it has been classified as a Variant of Uncertain Significance.

NM_000059.4(BRCA2):c.7675T>A (p.Ser2559Thr)

Gene: BRCA2 (BRCA2 DNA repair associated; plus strand). Cytogenetic location: 13q13.1.
Variant type: single nucleotide variant.
Coding change: c.7675T>A on transcript NM_000059.4 (MANE Select); coding-DNA position 7675, T replaced by A.
Protein change: p.Ser2559Thr; replaces serine 2559 with threonine.
Molecular consequence: missense variant. On other transcripts: non-coding transcript variant (1).
Genome position (GRCh38, 1-based): chr13:32,357,799, T>A. VCF-style: chr13-32357799-T-A. GRCh37 (hg19) VCF-style: chr13-32931936-T-A.
Other names: c.7579T>A, p.Ser2527Thr (NM_001406719.1); c.7675T>A, p.Ser2559Thr (NM_001406720.1); c.2743T>A, p.Ser915Thr (NM_001406721.1); c.1258T>A, p.Ser420Thr (NM_001406722.1); short protein forms S2527T, S2559T, S420T, S915T.
Identifiers: ClinVar variation 2726074 (VCV002726074.6), dbSNP rs2137566623, ClinGen allele CA387745084.